The following is an entry in ClinVar:

NM_001009944.3(PKD1):c.10541dup (p.Arg3515fs)

Genes: PKD1 (polycystin 1, transient receptor potential channel interacting; minus strand), PKD1-AS1 (PKD1 antisense RNA 1; plus strand). Cytogenetic location: 16p13.3.
Variant type: Duplication.
Coding change: c.10541dup on transcript NM_001009944.3 (MANE Select); coding-DNA position 10541, one base duplicated (A; older notation c.10541dupA).
Protein change: p.Arg3515fs; shifts the reading frame from arginine 3515.
Molecular consequence: frameshift variant.
Genome position (GRCh38, 1-based): chr16:2,094,169, T duplicated on the plus strand (A on the coding strand, the reverse complement: PKD1 is on the minus strand). VCF-style (leftmost placement, unchanged base first): chr16-2094168-C-CT. GRCh37 (hg19) VCF-style: chr16-2144169-C-CT.
Other names: c.10541dupA (NM_001009944.3); c.10538dup, p.Arg3514fs (NM_000296.4); c.10538dupA (NM_000296.3); short protein forms R3514fs, R3515fs.
Identifiers: ClinVar variation 1298376 (VCV001298376.2), dbSNP rs2151710347, ClinGen allele CA2499223366.
Genomic context (GRCh38, chr16:2,094,168, plus strand): 5'-CGCTGCCTGGGGCTGTTCCCAGTTCAGGCCTGGGCTGGGTGGCCCCAGCTCCCCCAGCCT[C>CT]TGCAGCGCCAGCGTCTCTGTCTTCTCCCCAGGAGTGCTGGACCTGAGGGACATGGTAGGC-3'

ClinVar aggregate classification (germline): Pathogenic. Review status: criteria provided, multiple submitters, no conflicts (2 of 4 stars). 2 submissions from 2 submitters: Pathogenic (2). Last evaluated 2024-01-08.

Conditions:
Inborn genetic diseases. Identifiers: MedGen C0950123, MeSH D030342.
Polycystic kidney disease, adult type (PKD1). Also called: POLYCYSTIC KIDNEY DISEASE 1 WITH OR WITHOUT POLYCYSTIC LIVER DISEASE; Polycystic Kidney Disease 1, Autosomal Dominant; Polycystic kidney disease 1; Polycystic kidney disease 1, severe; POLYCYSTIC KIDNEY DISEASE, ADULT, TYPE I; Polycystic Kidney, Autosomal Dominant. Identifiers: MedGen C3149841, MONDO:0008263, OMIM 173900.

Submissions (2):

Ambry Genetics
Classification: Pathogenic for Inborn genetic diseases. Last evaluated: 2024-01-08. Review status: criteria provided, single submitter. Criteria: Ambry Variant Classification Scheme 2023. Collection method: clinical testing. Allele origin: germline.
Comment: The c.10538dupA (p.R3514Efs*112) alteration, located in exon 35 (coding exon 35) of the PKD1 gene, consists of a duplication of A at position 10538, causing a translational frameshift with a predicted alternate stop codon after 112 amino acids. This alteration is expected to result in loss of function by premature protein truncation or nonsense-mediated mRNA decay. This variant was not reported in population-based cohorts in the Genome Aggregation Database (gnomAD). Based on the available evidence, this alteration is classified as pathogenic.

MVZ Martinsried, Medicover Genetics
Classification: Pathogenic for Polycystic kidney disease, adult type. Last evaluated: 2021-04-09. Review status: criteria provided, single submitter. Criteria: ACGS Guidelines, 2020. Collection method: clinical testing. Allele origin: unknown. Affected: yes.